The following is an entry in ClinVar:

ClinVar aggregate classification (germline): Uncertain significance. Review status: criteria provided, multiple submitters, no conflicts (2 of 4 stars). 3 submissions from 3 submitters: Uncertain significance (3). Last evaluated 2024-11-22.

Conditions:
FANCG-related disorder. Also called: FANCG-related condition.
Inborn genetic diseases. Identifiers: MedGen C0950123, MeSH D030342.
Fanconi anemia (FA). Also called: Fanconi's anemia. Identifiers: Orphanet 84, MedGen C0015625, MeSH D005199, MONDO:0019391.

Allele frequency attached by ClinVar (database versions not stated): gnomAD 0.00001; TOPMed 0.00001.
gnomAD v4.1: 5 of 1,614,114 alleles (0.00031%); highest among the groups gnomAD compares: East Asian, 0.0022%; no homozygotes.

Submissions (3):

Ambry Genetics
Classification: Uncertain significance for Inborn genetic diseases. Last evaluated: 2024-11-22. Review status: criteria provided, single submitter. Criteria: Ambry Variant Classification Scheme 2023. Collection method: clinical testing. Allele origin: germline.
Comment: The p.R242Q variant (also known as c.725G>A), located in coding exon 6 of the FANCG gene, results from a G to A substitution at nucleotide position 725. The arginine at codon 242 is replaced by glutamine, an amino acid with highly similar properties. This amino acid position is conserved. In addition, this alteration is predicted to be tolerated by in silico analysis. Based on the available evidence, the clinical significance of this variant remains unclear.

Labcorp Genetics (formerly Invitae), Labcorp
Classification: Uncertain significance for Fanconi anemia. Last evaluated: 2024-01-02. Review status: criteria provided, single submitter. Criteria: Invitae Variant Classification Sherloc (09022015). Collection method: clinical testing. Allele origin: germline.
Comment: This sequence change replaces arginine, which is basic and polar, with glutamine, which is neutral and polar, at codon 242 of the FANCG protein (p.Arg242Gln). This variant is present in population databases (no rsID available, gnomAD 0.003%). This variant has not been reported in the literature in individuals affected with FANCG-related conditions. ClinVar contains an entry for this variant (Variation ID: 2628844). Advanced modeling of protein sequence and biophysical properties (such as structural, functional, and spatial information, amino acid conservation, physicochemical variation, residue mobility, and thermodynamic stability) performed at Invitae indicates that this missense variant is not expected to disrupt FANCG protein function with a negative predictive value of 80%. In summary, the available evidence is currently insufficient to determine the role of this variant in disease. Therefore, it has been classified as a Variant of Uncertain Significance.

PreventionGenetics, part of Exact Sciences
Classification: Uncertain significance for FANCG-related condition. Last evaluated: 2022-11-05. Review status: criteria provided, single submitter. Criteria: ACMG Guidelines, 2015. Collection method: clinical testing. Allele origin: germline.
Comment: The FANCG c.725G>A variant is predicted to result in the amino acid substitution p.Arg242Gln. To our knowledge, this variant has not been reported in the literature. This variant is reported in 0.0029% of alleles in individuals of Latino descent in gnomAD. At this time, the clinical significance of this variant is uncertain due to the absence of conclusive functional and genetic evidence.

NM_004629.2(FANCG):c.725G>A (p.Arg242Gln)

Gene: FANCG (FA complementation group G; minus strand). Cytogenetic location: 9p13.3.
Variant type: single nucleotide variant.
Coding change: c.725G>A on transcript NM_004629.2 (MANE Select); coding-DNA position 725, G replaced by A.
Protein change: p.Arg242Gln; replaces arginine 242 with glutamine.
Molecular consequence: missense variant.
Genome position (GRCh38, 1-based): chr9:35,077,023, C>T on the plus strand (G>A on the coding strand, the complement: FANCG is on the minus strand). VCF-style: chr9-35077023-C-T. GRCh37 (hg19) VCF-style: chr9-35077020-C-T.
Other names: short protein forms R242Q.
Identifiers: ClinVar variation 2628844 (VCV002628844.3), dbSNP rs955462060, ClinGen allele CA192694826.